The following is an entry in ClinVar:

ClinVar aggregate classification (germline): Pathogenic/Likely pathogenic. Review status: criteria provided, multiple submitters, no conflicts (2 of 4 stars). 5 submissions from 5 submitters: Pathogenic (2); Likely pathogenic (2). 1 of the submissions does not count toward it. Last evaluated 2024-02-22.

Conditions:
Congenital secretory diarrhea, chloride type (DIAR1). Also called: DIARRHEA 1, SECRETORY CHLORIDE, CONGENITAL; CHLORIDORRHEA, CONGENITAL; CHLORIDE DIARRHEA, CONGENITAL, FINNISH TYPE. Identifiers: Orphanet 53689, MedGen C0267662, MONDO:0008964, OMIM 214700.

Submissions (5):

Fulgent Genetics
Classification: Pathogenic for Congenital secretory diarrhea, chloride type. Last evaluated: 2024-02-22. Review status: criteria provided, single submitter. Criteria: ACMG Guidelines, 2015. Collection method: clinical testing. Allele origin: germline.

Women's Health and Genetics/Laboratory Corporation of America, LabCorp
Classification: Pathogenic for Congenital secretory diarrhea, chloride type. Last evaluated: 2024-02-22. Review status: criteria provided, single submitter. Criteria: LabCorp Variant Classification Summary - May 2015. Collection method: clinical testing. Allele origin: germline.
Comment: Variant summary: SLC26A3 c.1631T>A (p.Ile544Asn) results in a non-conservative amino acid change located in the STAS domain (IPR002645) of the encoded protein sequence. Five of five in-silico tools predict a damaging effect of the variant on protein function. The frequency data for this variant in gnomAD is considered unreliable, as metrics indicate poor data quality at this position. c.1631T>A has been reported in the literature in multiple individuals affected with Congenital secretory diarrhea, chloride type (Yin_2023, Hoglund_2001). These data indicate that the variant is very likely to be associated with disease. At least one publication reports experimental evidence evaluating an impact on protein function shows an impact on ion exhange and trafficking (Dorwart_2008). The following publications have been ascertained in the context of this evaluation (PMID: 18216024, 11302976, 36709934). ClinVar contains an entry for this variant (Variation ID: 55985). Based on the evidence outlined above, the variant was classified as pathogenic.

Labcorp Genetics (formerly Invitae), Labcorp
Classification: Likely pathogenic. Last evaluated: 2023-10-11. Review status: criteria provided, single submitter. Criteria: Invitae Variant Classification Sherloc (09022015). Collection method: clinical testing. Allele origin: germline.
Comment: This sequence change replaces isoleucine, which is neutral and non-polar, with asparagine, which is neutral and polar, at codon 544 of the SLC26A3 protein (p.Ile544Asn). This variant is not present in population databases (gnomAD no frequency). This missense change has been observed in individual(s) with congenital chloride diarrhea (PMID: 11302976). It has also been observed to segregate with disease in related individuals. ClinVar contains an entry for this variant (Variation ID: 55985). Advanced modeling of protein sequence and biophysical properties (such as structural, functional, and spatial information, amino acid conservation, physicochemical variation, residue mobility, and thermodynamic stability) performed at Invitae indicates that this missense variant is expected to disrupt SLC26A3 protein function. Experimental studies have shown that this missense change affects SLC26A3 function (PMID: 18216024). In summary, the currently available evidence indicates that the variant is pathogenic, but additional data are needed to prove that conclusively. Therefore, this variant has been classified as Likely Pathogenic.

Juno Genomics, Hangzhou Juno Genomics, Inc
Classification: Likely pathogenic for Congenital secretory diarrhea, chloride type. Review status: criteria provided, single submitter. Criteria: ACMG Guidelines, 2015. Collection method: clinical testing. Allele origin: germline.
Comment: Absent from controls (or at extremely low frequency if recessive) in Genome Aggregation Database.;Multiple lines of computational evidence support a deleterious effect on the gene or gene product.;For recessive disorders, detected in trans with a pathogenic variant.;Patient's phenotype or family history is highly specific for a disease with a single genetic etiology.

Juha Muilu Group; Institute for Molecular Medicine Finland (FIMM)
Classification: Likely pathogenic for Congenital secretory diarrhea, chloride type. Review status: no assertion criteria provided. Collection method: not provided. Allele origin: unknown. Not counted in ClinVar's aggregate classification.
Comment: FinDis database variant: This variant was not found or characterized by our laboratory, data were collected from public sources: see reference
ClinVar note: Converted during submission from probable-pathogenic to Likely pathogenic.

Literature cited by the submitters: PubMed 18216024 (cited by Women's Health and Genetics/Laboratory Corporation of America, LabCorp and Labcorp Genetics (formerly Invitae), Labcorp); PubMed 11302976 (cited by Women's Health and Genetics/Laboratory Corporation of America, LabCorp and Labcorp Genetics (formerly Invitae), Labcorp); PubMed 36709934 (cited by Women's Health and Genetics/Laboratory Corporation of America, LabCorp).

NM_000111.3(SLC26A3):c.1631T>A (p.Ile544Asn)

Gene: SLC26A3 (solute carrier family 26 member 3; minus strand). Cytogenetic location: 7q22.3.
Variant type: single nucleotide variant.
Coding change: c.1631T>A on transcript NM_000111.3 (MANE Select); coding-DNA position 1631, T replaced by A.
Protein change: p.Ile544Asn; replaces isoleucine 544 with asparagine.
Molecular consequence: missense variant.
Genome position (GRCh38, 1-based): chr7:107,776,498, A>T on the plus strand (T>A on the coding strand, the complement: SLC26A3 is on the minus strand). VCF-style: chr7-107776498-A-T. GRCh37 (hg19) VCF-style: chr7-107416943-A-T.
Other names: short protein forms I544N.
Identifiers: ClinVar variation 55985 (VCV000055985.10), dbSNP rs386833467, ClinGen allele CA144074.
Genomic context (GRCh38, chr7:107,776,498, plus strand): 5'-ACCCCAAACCTTACAGCATCGATAAGTTTCCGCCTAAAGAAACCAATGTTTGCAAAGTAG[A>T]TAGGAGATGGACATCTGAAAATTTTCACTCCTTCTGGCTCATACATCTGTAAGGCAGAGA-3'
Protein context (NP_000102.1, residues 534-554): GVKIFRCPSP[Ile544Asn]YFANIGFFRR